The following is an entry in ClinVar:

NM_001008212.2(OPTN):c.1010T>C (p.Leu337Pro)

Gene: OPTN (optineurin; plus strand). Cytogenetic location: 10p13.
Variant type: single nucleotide variant.
Coding change: c.1010T>C on transcript NM_001008212.2 (MANE Select); coding-DNA position 1010, T replaced by C.
Protein change: p.Leu337Pro; replaces leucine 337 with proline.
Molecular consequence: missense variant.
Genome position (GRCh38, 1-based): chr10:13,125,429, T>C. VCF-style: chr10-13125429-T-C. GRCh37 (hg19) VCF-style: chr10-13167429-T-C.
Other names: c.1010T>C, p.Leu337Pro (NM_001008211.1, NM_001008213.1, NM_021980.4); short protein forms L337P.
Identifiers: ClinVar variation 4787882 (VCV004787882.1).

ClinVar aggregate classification (germline): Uncertain significance (1 of 4 stars; one submission).

Conditions:
Primary open angle glaucoma (POAG). Also called: OPTN-related open angle glaucoma. Identifiers: MedGen C0339573, MONDO:0100553, OMIM 137760.
Amyotrophic lateral sclerosis type 12 (ALS12). Also called: AMYOTROPHIC LATERAL SCLEROSIS 12 WITH OR WITHOUT FRONTOTEMPORAL DEMENTIA. Identifiers: Orphanet 803, MedGen C3150692, MONDO:0013264, OMIM 613435.
Glaucoma 1, open angle, E. Identifiers: MedGen C1842026, MONDO:0007665.

gnomAD v4.1: 7 of 1,614,024 alleles (0.00043%); highest among the groups gnomAD compares: African/African-American, 0.0067%; no homozygotes.

Submission:

Labcorp Genetics (formerly Invitae), Labcorp
Classification: Uncertain significance for Primary open angle glaucoma; Glaucoma 1, open angle, E; Amyotrophic lateral sclerosis type 12. Last evaluated: 2025-08-26. Review status: criteria provided, single submitter. Criteria: Invitae Variant Classification Sherloc (09022015). Collection method: clinical testing. Allele origin: germline.
Comment: This sequence change replaces leucine, which is neutral and non-polar, with proline, which is neutral and non-polar, at codon 337 of the OPTN protein (p.Leu337Pro). The frequency data for this variant in the population databases is considered unreliable, as metrics indicate poor data quality at this position in the gnomAD database. This variant has not been reported in the literature in individuals affected with OPTN-related conditions. Invitae Evidence Modeling of protein sequence and biophysical properties (such as structural, functional, and spatial information, amino acid conservation, physicochemical variation, residue mobility, and thermodynamic stability) has been performed for this missense variant. However, the output from this modeling did not meet the statistical confidence thresholds required to predict the impact of this variant on OPTN protein function. In summary, the available evidence is currently insufficient to determine the role of this variant in disease. Therefore, it has been classified as a Variant of Uncertain Significance.